The following is an entry in ClinVar:

NM_002834.5(PTPN11):c.990A>C (p.Thr330=)

Gene: PTPN11 (protein tyrosine phosphatase non-receptor type 11; plus strand). Cytogenetic location: 12q24.13.
Variant type: single nucleotide variant.
Coding change: c.990A>C on transcript NM_002834.5 (MANE Select); coding-DNA position 990, A replaced by C.
Protein change: p.Thr330=; no amino-acid change (threonine 330 retained).
Molecular consequence: synonymous variant.
Genome position (GRCh38, 1-based): chr12:112,477,913, A>C. VCF-style: chr12-112477913-A-C. GRCh37 (hg19) VCF-style: chr12-112915717-A-C.
Other names: p.T330T; c.990A>C, p.Thr330= (NM_001330437.2, NM_080601.3); c.987A>C, p.Thr329= (NM_001374625.1).
Identifiers: ClinVar variation 40538 (VCV000040538.38), dbSNP rs369739920, ClinGen allele CA282105.

ClinVar aggregate classification (germline): Conflicting classifications of pathogenicity. Review status: criteria provided, conflicting classifications (1 of 4 stars). 11 submissions from 11 submitters: Uncertain significance (1); Benign (2); Likely benign (8). Last evaluated 2026-04-14.

Conditions:
Cardiovascular phenotype. Identifiers: MedGen CN230736.
Noonan syndrome and Noonan-related syndrome. Identifiers: Orphanet 98733, MedGen C5681679, MONDO:0020297.
RASopathy. Also called: rasopathies; Noonan spectrum disorder. Identifiers: Orphanet 536391, MedGen C5555857, MONDO:0021060.
Juvenile myelomonocytic leukemia (JMML). Also called: LEUKEMIA, JUVENILE MYELOMONOCYTIC, SOMATIC. Identifiers: Orphanet 86834, MedGen C0349639, MONDO:0011908, OMIM 607785, HP:0012209.

Allele frequency attached by ClinVar (database versions not stated): gnomAD exomes 0.00001 and 0.00004; gnomAD 0.00005 and 0.00003; TOPMed 0.00003; ExAC 0.00004.
gnomAD v4.1: 43 of 1,614,112 alleles (0.0027%); highest among the groups gnomAD compares: East Asian, 0.027%; no homozygotes.

Submissions (11):

Ambry Genetics
Classification: Likely benign for Cardiovascular phenotype. Last evaluated: 2026-04-14. Review status: criteria provided, single submitter. Criteria: Ambry Variant Classification Scheme 2023. Collection method: clinical testing. Allele origin: germline.

Labcorp Genetics (formerly Invitae), Labcorp
Classification: Likely benign for RASopathy. Last evaluated: 2026-02-03. Review status: criteria provided, single submitter. Criteria: Invitae Variant Classification Sherloc (09022015). Collection method: clinical testing. Allele origin: germline.

Blueprint Genetics
Classification: Likely benign. Last evaluated: 2024-07-29. Review status: criteria provided, single submitter. Criteria: ACMG Guidelines, 2015. Collection method: clinical testing. Allele origin: germline.

ARUP Laboratories, Molecular Genetics and Genomics, ARUP Laboratories
Classification: Likely benign. Last evaluated: 2024-07-25. Review status: criteria provided, single submitter. Criteria: ARUP Molecular Germline Variant Investigation Process 2024. Collection method: clinical testing. Allele origin: germline.

KCCC/NGS Laboratory, Kuwait Cancer Control Center
Classification: Benign for Juvenile myelomonocytic leukemia. Last evaluated: 2023-07-07. Review status: criteria provided, single submitter. Criteria: ACMG Guidelines, 2015. Collection method: clinical testing. Allele origin: germline. Affected: yes.

Women's Health and Genetics/Laboratory Corporation of America, LabCorp
Classification: Likely benign. Last evaluated: 2020-08-30. Review status: criteria provided, single submitter. Criteria: LabCorp Variant Classification Summary - May 2015. Collection method: clinical testing. Allele origin: germline.

GeneDx
Classification: Benign. Last evaluated: 2019-06-10. Review status: criteria provided, single submitter. Criteria: GeneDx Variant Classification Process June 2021. Collection method: clinical testing. Allele origin: germline. Affected: yes.

Genome Diagnostics Laboratory, The Hospital for Sick Children
Classification: Uncertain significance for Noonan syndrome and Noonan-related syndrome. Last evaluated: 2018-05-01. Review status: criteria provided, single submitter. Criteria: ACMG Guidelines, 2015. Collection method: clinical testing. Allele origin: germline.

Genetic Services Laboratory, University of Chicago
Classification: Likely benign. Last evaluated: 2018-04-04. Review status: criteria provided, single submitter. Criteria: ACMG Guidelines, 2015. Collection method: clinical testing. Allele origin: germline. Affected: no.

Laboratory for Molecular Medicine, Mass General Brigham Personalized Medicine
Classification: Likely benign. Last evaluated: 2016-01-29. Review status: criteria provided, single submitter. Criteria: LMM Criteria. Collection method: clinical testing. Allele origin: germline. Observed: 1 variant allele.
Comment: p.Thr330Thr in exon 9 of PTPN11: This variant is not expected to have clinical s ignificance because it does not alter an amino acid residue and is not located w ithin the splice consensus sequence. It has been identified in 2/11546 Latino an d 2/8650 East Asian chromosomes by the Exome Aggregation Consortium (ExAC; dbSNP rs369739920).

PreventionGenetics, part of Exact Sciences
Classification: Likely benign. Review status: criteria provided, single submitter. Criteria: ACMG Guidelines, 2015. Collection method: clinical testing. Allele origin: germline.